The following is an entry in ClinVar:

NM_005477.3(HCN4):c.3338T>C (p.Met1113Thr)

Gene: HCN4 (hyperpolarization activated cyclic nucleotide gated potassium channel 4; minus strand). Cytogenetic location: 15q24.1.
Variant type: single nucleotide variant.
Coding change: c.3338T>C on transcript NM_005477.3 (MANE Select); coding-DNA position 3338, T replaced by C.
Protein change: p.Met1113Thr; replaces methionine 1113 with threonine.
Molecular consequence: missense variant.
Genome position (GRCh38, 1-based): chr15:73,322,755, A>G on the plus strand (T>C on the coding strand, the complement: HCN4 is on the minus strand). VCF-style: chr15-73322755-A-G. GRCh37 (hg19) VCF-style: chr15-73615096-A-G.
Other names: short protein forms M1113T.
Identifiers: ClinVar variation 1730367 (VCV001730367.5), dbSNP rs1305501521, ClinGen allele CA393085551.

ClinVar aggregate classification (germline): Uncertain significance. Review status: criteria provided, multiple submitters, no conflicts (2 of 4 stars). 2 submissions from 2 submitters: Uncertain significance (2). Last evaluated 2023-03-08.

Conditions:
Brugada syndrome 8 (BRGDA8). Identifiers: Orphanet 130, MedGen C2751083, MONDO:0013148, OMIM 613123.
Cardiovascular phenotype. Identifiers: MedGen CN230736.

Allele frequency attached by ClinVar (database versions not stated): gnomAD exomes below 0.00001; TOPMed below 0.00001.

Submissions (2):

Labcorp Genetics (formerly Invitae), Labcorp
Classification: Uncertain significance for Brugada syndrome 8. Last evaluated: 2023-03-08. Review status: criteria provided, single submitter. Criteria: Invitae Variant Classification Sherloc (09022015). Collection method: clinical testing. Allele origin: germline.
Comment: This sequence change replaces methionine, which is neutral and non-polar, with threonine, which is neutral and polar, at codon 1113 of the HCN4 protein (p.Met1113Thr). In summary, the available evidence is currently insufficient to determine the role of this variant in disease. Therefore, it has been classified as a Variant of Uncertain Significance. Advanced modeling of protein sequence and biophysical properties (such as structural, functional, and spatial information, amino acid conservation, physicochemical variation, residue mobility, and thermodynamic stability) performed at Invitae indicates that this missense variant is not expected to disrupt HCN4 protein function. ClinVar contains an entry for this variant (Variation ID: 1730367). This variant has not been reported in the literature in individuals affected with HCN4-related conditions. This variant is present in population databases (no rsID available, gnomAD 0.004%).

Ambry Genetics
Classification: Uncertain significance for Cardiovascular phenotype. Last evaluated: 2022-02-07. Review status: criteria provided, single submitter. Criteria: Ambry Variant Classification Scheme 2023. Collection method: clinical testing. Allele origin: germline.
Comment: The p.M1113T variant (also known as c.3338T>C), located in coding exon 8 of the HCN4 gene, results from a T to C substitution at nucleotide position 3338. The methionine at codon 1113 is replaced by threonine, an amino acid with similar properties. This amino acid position is conserved. In addition, the in silico prediction for this alteration is inconclusive. Since supporting evidence is limited at this time, the clinical significance of this alteration remains unclear.